The following is an entry in ClinVar:

NM_024422.6(DSC2):c.1581C>G (p.Ile527Met)

Gene: DSC2 (desmocollin 2; minus strand). Cytogenetic location: 18q12.1.
Variant type: single nucleotide variant.
Coding change: c.1581C>G on transcript NM_024422.6 (MANE Select); coding-DNA position 1581, C replaced by G.
Protein change: p.Ile527Met; replaces isoleucine 527 with methionine.
Molecular consequence: missense variant.
Genome position (GRCh38, 1-based): chr18:31,079,929, G>C on the plus strand (C>G on the coding strand, the complement: DSC2 is on the minus strand). VCF-style: chr18-31079929-G-C. GRCh37 (hg19) VCF-style: chr18-28659895-G-C.
Other names: c.1581C>G, p.Ile527Met (NM_004949.5); short protein forms I527M.
Identifiers: ClinVar variation 928170 (VCV000928170.14), dbSNP rs750329563, ClinGen allele CA032273.

ClinVar aggregate classification (germline): Conflicting classifications of pathogenicity. Review status: criteria provided, conflicting classifications (1 of 4 stars). 5 submissions from 5 submitters: Uncertain significance (4); Likely benign (1). Last evaluated 2025-02-20.

Conditions:
Cardiomyopathy (CMYO). Also called: Cardiomyopathies. Identifiers: Orphanet 167848, MedGen C0878544, MONDO:0004994, HP:0001638. Inheritance: Various modes of inheritance.
Cardiovascular phenotype. Identifiers: MedGen CN230736.
Familial isolated arrhythmogenic right ventricular dysplasia. Identifiers: Orphanet 217656, MedGen C4274968, MONDO:0016342.
Arrhythmogenic right ventricular dysplasia 11. Also called: Arrhythmogenic Right Ventricular Dysplasia/Cardiomyopathy11; ARRHYTHMOGENIC RIGHT VENTRICULAR DYSPLASIA, FAMILIAL, 11; Arrhythmogenic right ventricular dysplasia 11 with mild palmoplantar keratoderma and woolly hair. Identifiers: MedGen C1864850, MONDO:0012506, OMIM 610476.

Allele frequency attached by ClinVar (database versions not stated): ExAC 0.00002; gnomAD exomes 0.00001; TOPMed 0.00001.
gnomAD v4.1: 7 of 1,613,896 alleles (0.00043%); highest among the groups gnomAD compares: East Asian, 0.0045%; no homozygotes.

Submissions (5):

Labcorp Genetics (formerly Invitae), Labcorp
Classification: Uncertain significance for Arrhythmogenic right ventricular dysplasia 11. Last evaluated: 2025-02-20. Review status: criteria provided, single submitter. Criteria: Invitae Variant Classification Sherloc (09022015). Collection method: clinical testing. Allele origin: germline.
Comment: This sequence change replaces isoleucine, which is neutral and non-polar, with methionine, which is neutral and non-polar, at codon 527 of the DSC2 protein (p.Ile527Met). This variant is present in population databases (rs750329563, gnomAD 0.006%). This missense change has been observed in individual(s) with dilated cardiomyopathy (PMID: 31983221). ClinVar contains an entry for this variant (Variation ID: 928170). Invitae Evidence Modeling of protein sequence and biophysical properties (such as structural, functional, and spatial information, amino acid conservation, physicochemical variation, residue mobility, and thermodynamic stability) indicates that this missense variant is expected to disrupt DSC2 protein function with a positive predictive value of 80%. In summary, the available evidence is currently insufficient to determine the role of this variant in disease. Therefore, it has been classified as a Variant of Uncertain Significance.

All of Us Research Program, National Institutes of Health
Classification: Uncertain significance for Familial isolated arrhythmogenic right ventricular dysplasia. Last evaluated: 2024-05-30. Review status: criteria provided, single submitter. Criteria: ACMG Guidelines, 2015. Collection method: clinical testing. Allele origin: germline. Inheritance: Autosomal dominant inheritance. Observed: 3 variant alleles, 3 heterozygotes.
Comment: This missense variant replaces isoleucine with methionine at codon 527 of the DSC2 protein. Computational prediction suggests that this variant may not impact protein structure and function (internally defined REVEL score threshold <= 0.5, PMID: 27666373). To our knowledge, functional studies have not been reported for this variant. This variant has not been reported in individuals affected with cardiovascular disorders in the literature. This variant has been identified in 3/251158 chromosomes in the general population by the Genome Aggregation Database (gnomAD). The available evidence is insufficient to determine the role of this variant in disease conclusively. Therefore, this variant is classified as a Variant of Uncertain Significance.

This study involves interpretation of variants in research participants for the purpose of population health screening. Participant phenotype was not available at the time of variant classification. Additional details can be found in publication PMID: 35346344, PMCID: PMC8962531

Ambry Genetics
Classification: Likely benign for Cardiovascular phenotype. Last evaluated: 2024-04-23. Review status: criteria provided, single submitter. Criteria: Ambry Variant Classification Scheme 2023. Collection method: clinical testing. Allele origin: germline.

Color Diagnostics, LLC DBA Color Health
Classification: Uncertain significance for Cardiomyopathy. Last evaluated: 2024-02-07. Review status: criteria provided, single submitter. Criteria: ACMG Guidelines, 2015. Collection method: clinical testing. Allele origin: germline.
Comment: This missense variant replaces isoleucine with methionine at codon 527 of the DSC2 protein. Computational prediction suggests that this variant may not impact protein structure and function (internally defined REVEL score threshold <= 0.5, PMID: 27666373). To our knowledge, functional studies have not been reported for this variant. This variant has not been reported in individuals affected with cardiovascular disorders in the literature. This variant has been identified in 3/251158 chromosomes in the general population by the Genome Aggregation Database (gnomAD). The available evidence is insufficient to determine the role of this variant in disease conclusively. Therefore, this variant is classified as a Variant of Uncertain Significance.

GeneDx
Classification: Uncertain significance. Last evaluated: 2019-07-01. Review status: criteria provided, single submitter. Criteria: GeneDx Variant Classification Process June 2021. Collection method: clinical testing. Allele origin: germline. Affected: yes.
Comment: Has not been previously published as pathogenic or benign to our knowledge; Not observed at a significant frequency in large population cohorts (Lek et al., 2016); In silico analysis, which includes protein predictors and evolutionary conservation, supports that this variant does not alter protein structure/function; This variant is associated with the following publications: (PMID: 31983221)

Literature cited by the submitters: PubMed 31983221 (cited by Labcorp Genetics (formerly Invitae), Labcorp and Ambry Genetics).